The following is an entry in ClinVar:

ClinVar aggregate classification (germline): Conflicting classifications of pathogenicity. Review status: criteria provided, conflicting classifications (1 of 4 stars). 3 submissions from 3 submitters: Uncertain significance (2); Likely benign (1). Last evaluated 2026-06-07.

Conditions:
Inborn genetic diseases. Identifiers: MedGen C0950123, MeSH D030342.

Allele frequency attached by ClinVar (database versions not stated): gnomAD 0.00002; TOPMed 0.00002; gnomAD exomes 0.00003.
gnomAD v4.1: 49 of 1,550,636 alleles (0.0032%); highest among the groups gnomAD compares: Middle Eastern, 0.017%; no homozygotes.

Submissions (3):

GeneDx
Classification: Uncertain significance. Last evaluated: 2026-06-07. Review status: criteria provided, single submitter. Criteria: GeneDx Variant Classification Process June 2021. Collection method: clinical testing. Allele origin: germline.
Comment: Not observed at significant frequency in large population cohorts (gnomAD); In silico analysis suggests that this missense variant does not alter protein structure/function; Has not been previously published as pathogenic or benign to our knowledge

Ambry Genetics
Classification: Likely benign for Inborn genetic diseases. Last evaluated: 2026-01-22. Review status: criteria provided, single submitter. Criteria: Ambry Variant Classification Scheme 2023. Collection method: clinical testing. Allele origin: germline.

Labcorp Genetics (formerly Invitae), Labcorp
Classification: Uncertain significance. Last evaluated: 2023-02-16. Review status: criteria provided, single submitter. Criteria: Invitae Variant Classification Sherloc (09022015). Collection method: clinical testing. Allele origin: germline.
Comment: This sequence change replaces serine, which is neutral and polar, with glycine, which is neutral and non-polar, at codon 30 of the SLC39A8 protein (p.Ser30Gly). The frequency data for this variant in the population databases is considered unreliable, as metrics indicate poor data quality at this position in the gnomAD database. This variant has not been reported in the literature in individuals affected with SLC39A8-related conditions. An algorithm developed to predict the effect of missense changes on protein structure and function (PolyPhen-2) suggests that this variant¬† is likely to be tolerated. In summary, the available evidence is currently insufficient to determine the role of this variant in disease. Therefore, it has been classified as a Variant of Uncertain Significance.

NM_001135146.2(SLC39A8):c.88A>G (p.Ser30Gly)

Genes: SLC39A8 (solute carrier family 39 member 8; minus strand), LOC129992876 (ATAC-STARR-seq lymphoblastoid silent region 15595; plus strand). Cytogenetic location: 4q24.
Variant type: single nucleotide variant.
Coding change: c.88A>G on transcript NM_001135146.2 (MANE Select); coding-DNA position 88, A replaced by G.
Protein change: p.Ser30Gly; replaces serine 30 with glycine.
Molecular consequence: missense variant.
Genome position (GRCh38, 1-based): chr4:102,344,575, T>C on the plus strand (A>G on the coding strand, the complement: SLC39A8 is on the minus strand). VCF-style: chr4-102344575-T-C. GRCh37 (hg19) VCF-style: chr4-103265732-T-C.
Other names: c.88A>G, p.Ser30Gly (NM_001135147.1, NM_022154.5); short protein forms S30G.
Identifiers: ClinVar variation 2895428 (VCV002895428.4), dbSNP rs769885404, ClinGen allele CA3025739.
Genomic context (GRCh38, chr4:102,344,575, plus strand): 5'-GCTGGAGCTGCGCCGCCGACAGGCTCAGATTCGCGCCGAACACGCTCAGCACATCCTCGC[T>C]GAAGGCTAGCCCTGGCCCCTCCGCCACTCCTCCGAGGCCGGCGGCCGCCAGCAACAGGAG-3'
Protein context (NP_001128618.1, residues 20-40): GVAEGPGLAF[Ser30Gly]EDVLSVFGAN